The following is an entry in ClinVar:

ClinVar aggregate classification (germline): Conflicting classifications of pathogenicity. Review status: criteria provided, conflicting classifications (1 of 4 stars). 4 submissions from 4 submitters: Uncertain significance (2); Likely benign (2). Last evaluated 2025-03-20.

Conditions:
LAMA2-related muscular dystrophy (LAMA2-RD). Also called: Laminin alpha 2-related dystrophy. Identifiers: MedGen C5679788, MONDO:0100228.
Congenital muscular dystrophy due to partial LAMA2 deficiency. Identifiers: MedGen C1842898.

Allele frequency attached by ClinVar (database versions not stated): gnomAD 0.00001; TOPMed 0.00002; gnomAD exomes 0.00003 and 0.00004; ExAC 0.00006.
gnomAD v4.1: 17 of 1,613,928 alleles (0.0011%); highest among the groups gnomAD compares: Admixed American, 0.025%; no homozygotes.

Submissions (4):

Labcorp Genetics (formerly Invitae), Labcorp
Classification: Likely benign for LAMA2-related muscular dystrophy. Last evaluated: 2025-03-20. Review status: criteria provided, single submitter. Criteria: Invitae Variant Classification Sherloc (09022015). Collection method: clinical testing. Allele origin: germline.

CeGaT Center for Human Genetics Tuebingen
Classification: Uncertain significance. Last evaluated: 2022-06-01. Review status: criteria provided, single submitter. Criteria: CeGaT Center For Human Genetics Tuebingen Variant Classification Criteria Version 2. Collection method: clinical testing. Allele origin: germline. Affected: yes. Observed: 1 variant allele.
Comment: LAMA2: PM2, BP1, BP4

Blueprint Genetics
Classification: Likely benign. Last evaluated: 2019-11-02. Review status: criteria provided, single submitter. Criteria: ACMG Guidelines, 2015. Collection method: clinical testing. Allele origin: germline.

Illumina Laboratory Services, Illumina
Classification: Uncertain significance for Congenital muscular dystrophy due to partial LAMA2 deficiency. Last evaluated: 2018-01-13. Review status: criteria provided, single submitter. Criteria: ICSL Variant Classification Criteria 13 December 2019. Collection method: clinical testing. Allele origin: germline.

NM_000426.4(LAMA2):c.4592C>G (p.Pro1531Arg)

Gene: LAMA2 (laminin subunit alpha 2; plus strand). Cytogenetic location: 6q22.33.
Variant type: single nucleotide variant.
Coding change: c.4592C>G on transcript NM_000426.4 (MANE Select); coding-DNA position 4592, C replaced by G.
Protein change: p.Pro1531Arg; replaces proline 1531 with arginine.
Molecular consequence: missense variant.
Genome position (GRCh38, 1-based): chr6:129,353,232, C>G. VCF-style: chr6-129353232-C-G. GRCh37 (hg19) VCF-style: chr6-129674377-C-G.
Other names: c.4592C>G, p.Pro1531Arg (NM_001079823.2); short protein forms P1531R.
Identifiers: ClinVar variation 904644 (VCV000904644.40), dbSNP rs760292213, ClinGen allele CA3993605.